The following is an entry in ClinVar:

ClinVar aggregate classification (germline): Uncertain significance. Review status: criteria provided, multiple submitters, no conflicts (2 of 4 stars). 2 submissions from 2 submitters: Uncertain significance (2). Last evaluated 2025-06-29.

Conditions:
Cardiomyopathy (CMYO). Also called: Cardiomyopathies. Identifiers: Orphanet 167848, MedGen C0878544, MONDO:0004994, HP:0001638. Inheritance: Various modes of inheritance.
Catecholaminergic polymorphic ventricular tachycardia (CVPT). Also called: Catecholamine-induced polymorphic ventricular tachycardia. Identifiers: Orphanet 3286, MedGen C5574922, MONDO:0017990.

Submissions (2):

Color Diagnostics, LLC DBA Color Health
Classification: Uncertain significance for Cardiomyopathy. Last evaluated: 2025-06-29. Review status: criteria provided, single submitter. Criteria: ACMG Guidelines, 2015. Collection method: clinical testing. Allele origin: germline.
Comment: This missense variant replaces histidine with aspartic acid at codon 3082 of the RYR2 protein. Computational prediction suggests that this variant may have deleterious impact on protein structure and function. To our knowledge, functional studies have not been reported for this variant. This variant has not been reported in individuals affected with RYR2-related disorders in the literature. This variant has not been identified in the general population by the Genome Aggregation Database (gnomAD). The available evidence is insufficient to determine the role of this variant in disease conclusively. Therefore, this variant is classified as a Variant of Uncertain Significance.

All of Us Research Program, National Institutes of Health
Classification: Uncertain significance for Catecholaminergic polymorphic ventricular tachycardia. Last evaluated: 2023-05-16. Review status: criteria provided, single submitter. Criteria: ACMG Guidelines, 2015. Collection method: clinical testing. Allele origin: germline. Inheritance: Autosomal dominant inheritance. Observed: 1 variant allele, 1 heterozygote.
Comment: This missense variant replaces histidine with aspartic acid at codon 3082 of the RYR2 protein. Computational prediction suggests that this variant may have deleterious impact on protein structure and function (internally defined REVEL score threshold >= 0.7, PMID: 27666373). To our knowledge, functional studies have not been reported for this variant. This variant has not been reported in individuals affected with RYR2-related disorders in the literature. This variant has not been identified in the general population by the Genome Aggregation Database (gnomAD). The available evidence is insufficient to determine the role of this variant in disease conclusively. Therefore, this variant is classified as a Variant of Uncertain Significance.

This study involves interpretation of variants in research participants for the purpose of population health screening. Participant phenotype was not available at the time of variant classification. Additional details can be found in publication PMID: 35346344, PMCID: PMC8962531

NM_001035.3(RYR2):c.9244C>G (p.His3082Asp)

Gene: RYR2 (ryanodine receptor 2; plus strand). Cytogenetic location: 1q43.
Variant type: single nucleotide variant.
Coding change: c.9244C>G on transcript NM_001035.3 (MANE Select); coding-DNA position 9244, C replaced by G.
Protein change: p.His3082Asp; replaces histidine 3082 with aspartic acid.
Molecular consequence: missense variant.
Genome position (GRCh38, 1-based): chr1:237,700,344, C>G. VCF-style: chr1-237700344-C-G. GRCh37 (hg19) VCF-style: chr1-237863644-C-G.
Other names: short protein forms H3082D.
Identifiers: ClinVar variation 3071277 (VCV003071277.2), dbSNP rs2547365073, ClinGen allele CA345405875.